The following continues an entry in ClinVar:

NM_007294.4(BRCA1):c.3302G>A (p.Ser1101Asn)

ClinVar aggregate classification (germline): Benign. Benign (1).

Submissions 23 to 26 of 26:

Department of Pathology and Laboratory Medicine, Sinai Health System
Classification: Benign. Review status: no assertion criteria provided. Collection method: clinical testing. Allele origin: unknown. Affected: yes. Observed: 1 variant allele. Study: The Canadian Open Genetics Repository (COGR). Not counted in ClinVar's aggregate classification.
Comment: The p.Ser1101Asn variant has been reported in 4 of 6852 proband chromosomes in individuals with breast or ovarian cancers (Alsop_2012_22711857, Borg_2010_20104584, Stegel_2011_21232165) and was absent in 80 control chromosomes from these studies. This variant was also identified in the UMD database 20x as a neutral variant and was reported as co-occuring with other pathogenic variants including: BRCA1 c.1386delG (p.Thr464ProfsX11), BRCA2 c.673_676delACTA (p.Thr225LeufsX4), BRCA2 c.1440_1441delCA (p.Ile481SerfsX32), increasing the likelihood the p.Ser1101Asn variant does not have clinical significance. p.Ser1101Asn was also identified in the BIC database (14x of unknown clinical importance) and in the exome variant server in 2 of 8600 european chromosomes (frequency: 0.0002) increasing the likelihood this is a low frequency benign variant in certain populations of origin. The p.Ser1101 residue is not conserved in all mammals or lower species and computational analyses (PolyPhen2, SIFT, AlignGVGD, BLOSUM) provide inconsistent predictions regarding the impact to the protein but this information is not very predictive of pathogenicity. Furthermore, a number of in-silico functional studies suggest this variant is predicted neutral or has no effect (Abkevich_2004_15235020, Burk-Herrick_2005_16518693, Easton_2007_17924331, Lindor_2012_21990134), while others suggest the variant may be of uncertain clinical significance, (Judkins_2005_16267036, Lee_2007_18284688). This variant occurs outside of the splicing consensus sequence but in-silico or computational prediction software (SpliceSiteFinder, MaxEntScan, NNSPLICE, GeneSplicer, HumanSpliceFinder) predicts a greater than 10% difference in splicing in 4 of 5 different programs. However, the prediction is abolishment of a splicing donor site for a nucleotide residue that occurs 795 bp from the known splices consensus site for exon 11. Thus, this finding is not likely to have functional or clinical significance. In summary, based on the above information, this variant meets our laboratory's criteria to be classified as benign.

Genome Diagnostics Laboratory, University Medical Center Utrecht
Classification: Benign. Review status: no assertion criteria provided. Collection method: clinical testing. Allele origin: germline. Affected: yes. Study: VKGL Data-share Consensus. Not counted in ClinVar's aggregate classification.

Joint Genome Diagnostic Labs from Nijmegen and Maastricht, Radboudumc and MUMC+
Classification: Benign. Review status: no assertion criteria provided. Collection method: clinical testing. Allele origin: germline. Affected: yes. Study: VKGL Data-share Consensus. Not counted in ClinVar's aggregate classification.

Laboratory of Diagnostic Genome Analysis, Leiden University Medical Center (LUMC)
Classification: Benign. Review status: no assertion criteria provided. Collection method: clinical testing. Allele origin: germline. Affected: yes. Study: VKGL Data-share Consensus. Not counted in ClinVar's aggregate classification.

Literature cited by the submitters: PubMed 21990134 (cited by Evidence-based Network for the Interpretation of Germline Mutant Alleles (ENIGMA)); PubMed 21232165 (cited by Illumina Laboratory Services, Illumina and Counsyl); PubMed 15235020 (cited by Illumina Laboratory Services, Illumina and Counsyl); PubMed 17924331 (cited by Illumina Laboratory Services, Illumina and Counsyl); PubMed 16518693 (cited by Counsyl); PubMed 23867111 (cited by Counsyl).